The following is an entry in ClinVar:

ClinVar aggregate classification (germline): Uncertain significance (1 of 4 stars; one submission).

Allele frequency attached by ClinVar (database versions not stated): gnomAD 0.00001; gnomAD exomes 0.00001.
gnomAD v4.1: 13 of 1,613,048 alleles (0.00081%); highest among the groups gnomAD compares: Admixed American, 0.02%; no homozygotes.

Submission:

Labcorp Genetics (formerly Invitae), Labcorp
Classification: Uncertain significance. Last evaluated: 2025-11-25. Review status: criteria provided, single submitter. Criteria: Invitae Variant Classification Sherloc (09022015). Collection method: clinical testing. Allele origin: germline.
Comment: This sequence change replaces threonine, which is neutral and polar, with isoleucine, which is neutral and non-polar, at codon 400 of the SIPA1L3 protein (p.Thr400Ile). This variant is not present in population databases (gnomAD no frequency). This variant has not been reported in the literature in individuals affected with SIPA1L3-related conditions. ClinVar contains an entry for this variant (Variation ID: 2914801). An algorithm developed to predict the effect of missense changes on protein structure and function (PolyPhen-2) suggests that this variant is likely to be tolerated. In summary, the available evidence is currently insufficient to determine the role of this variant in disease. Therefore, it has been classified as a Variant of Uncertain Significance.

NM_015073.3(SIPA1L3):c.1199C>T (p.Thr400Ile)

Gene: SIPA1L3 (signal induced proliferation associated 1 like 3; plus strand). Cytogenetic location: 19q13.13.
Variant type: single nucleotide variant.
Coding change: c.1199C>T on transcript NM_015073.3 (MANE Select); coding-DNA position 1199, C replaced by T.
Protein change: p.Thr400Ile; replaces threonine 400 with isoleucine.
Molecular consequence: missense variant.
Genome position (GRCh38, 1-based): chr19:38,082,764, C>T. VCF-style: chr19-38082764-C-T. GRCh37 (hg19) VCF-style: chr19-38573404-C-T.
Other names: short protein forms T400I.
Identifiers: ClinVar variation 2914801 (VCV002914801.3), dbSNP rs942454675, ClinGen allele CA405599077.